The following is an entry in ClinVar:

NM_144670.6(A2ML1):c.1588C>G (p.Pro530Ala)

Gene: A2ML1 (alpha-2-macroglobulin like 1; plus strand). Cytogenetic location: 12p13.31.
Variant type: single nucleotide variant.
Coding change: c.1588C>G on transcript NM_144670.6 (MANE Select); coding-DNA position 1588, C replaced by G.
Protein change: p.Pro530Ala; replaces proline 530 with alanine.
Molecular consequence: missense variant.
Genome position (GRCh38, 1-based): chr12:8,846,127, C>G. VCF-style: chr12-8846127-C-G. GRCh37 (hg19) VCF-style: chr12-8998723-C-G.
Other names: c.115C>G, p.Pro39Ala (NM_001282424.3); short protein forms P39A, P530A.
Identifiers: ClinVar variation 4635638 (VCV004635638.1).

ClinVar aggregate classification (germline): Uncertain significance (1 of 4 stars; one submission).

Submission:

Ambry Genetics
Classification: Uncertain significance. Last evaluated: 2025-10-29. Review status: criteria provided, single submitter. Criteria: Ambry Variant Classification Scheme 2023. Collection method: clinical testing. Allele origin: germline.
Comment: The p.P530A variant (also known as c.1588C>G), located in coding exon 14 of the A2ML1 gene, results from a C to G substitution at nucleotide position 1588. The proline at codon 530 is replaced by alanine, an amino acid with highly similar properties. This amino acid position is conserved. In addition, the in silico prediction for this alteration is inconclusive. Based on the available evidence, the clinical significance of this variant remains unclear.